The following is an entry in ClinVar:

NM_000051.4(ATM):c.2495G>C (p.Arg832Pro)

Gene: ATM (ATM serine/threonine kinase; plus strand). Cytogenetic location: 11q22.3.
Variant type: single nucleotide variant.
Coding change: c.2495G>C on transcript NM_000051.4 (MANE Select); coding-DNA position 2495, G replaced by C.
Protein change: p.Arg832Pro; replaces arginine 832 with proline.
Molecular consequence: missense variant.
Genome position (GRCh38, 1-based): chr11:108,267,199, G>C. VCF-style: chr11-108267199-G-C. GRCh37 (hg19) VCF-style: chr11-108137926-G-C.
Other names: c.2495G>C, p.Arg832Pro (NM_001351834.2); short protein forms R832P.
Identifiers: ClinVar variation 230417 (VCV000230417.15), dbSNP rs199875915, ClinGen allele CA10579055.
Genomic context (GRCh38, chr11:108,267,199, plus strand): 5'-ATCTTGAACATCTTTGTTTCTCTTCCTTGAAGGCATCCTTCATCAAAAAGCCATTTGACC[G>C]TGGAGAAGTAGAATCAATGGAAGATGATACTAATGGAAATCTAATGGAGGTGGAGGATCA-3'
Protein context (NP_000042.3, residues 822-842): LASFIKKPFD[Arg832Pro]GEVESMEDDT

ClinVar aggregate classification (germline): Uncertain significance. Review status: criteria provided, multiple submitters, no conflicts (2 of 4 stars). 2 submissions from 2 submitters: Uncertain significance (2). Last evaluated 2024-04-22.

Conditions:
Hereditary cancer-predisposing syndrome. Also called: Hereditary Cancer Syndrome; Neoplastic Syndromes, Hereditary; Tumor predisposition; Hereditary neoplastic syndrome. Identifiers: Orphanet 140162, MedGen C0027672, MeSH D009386, MONDO:0015356.
Ataxia-telangiectasia syndrome (AT). Also called: Ataxia telangiectasia (A-T); Ataxia-telangiectasia, complementation group E; LOUIS-BAR SYNDROME; Cerebello-oculocutaneous telangiectasia; Immunodeficiency with ataxia telangiectasia; Ataxia-telangiectasia, complementation group D. Identifiers: Orphanet 100, MedGen C0004135, MONDO:0008840, OMIM 208900.

Submissions (2):

Labcorp Genetics (formerly Invitae), Labcorp
Classification: Uncertain significance for Ataxia-telangiectasia syndrome. Last evaluated: 2024-04-22. Review status: criteria provided, single submitter. Criteria: Invitae Variant Classification Sherloc (09022015). Collection method: clinical testing. Allele origin: germline.
Comment: This sequence change replaces arginine, which is basic and polar, with proline, which is neutral and non-polar, at codon 832 of the ATM protein (p.Arg832Pro). This variant is not present in population databases (gnomAD no frequency). This variant has not been reported in the literature in individuals affected with ATM-related conditions. ClinVar contains an entry for this variant (Variation ID: 230417). An algorithm developed to predict the effect of missense changes on protein structure and function (PolyPhen-2) suggests that this variant is likely to be tolerated. In summary, the available evidence is currently insufficient to determine the role of this variant in disease. Therefore, it has been classified as a Variant of Uncertain Significance.

Ambry Genetics
Classification: Uncertain significance for Hereditary cancer-predisposing syndrome. Last evaluated: 2015-02-19. Review status: criteria provided, single submitter. Criteria: Ambry Variant Classification Scheme 2023. Collection method: clinical testing. Allele origin: germline.
Comment: The p.R832P variant (also known as c.2495G>C), located in coding exon 16 of the ATM gene, results from a G to C substitution at nucleotide position 2495. The arginine at codon 832 is replaced by proline, an amino acid with dissimilar properties. This variant was not reported in population based cohorts in the following databases: Database of Single Nucleotide Polymorphisms (dbSNP), NHLBI Exome Sequencing Project (ESP), and 1000 Genomes Project. In the ESP, this variant was not observed in 6499 samples (12998 alleles) with coverage at this position. To date, this alteration has been detected with an allele frequency of approximately 0.002% (greater than 41000 alleles tested) in our clinical cohort. This amino acid position is poorly conserved in available vertebrate species. In addition, this alteration is predicted to be tolerated by in silico analysis. Since supporting evidence is limited at this time, the clinical significance of p.R832P remains unclear.